The following is an entry in ClinVar:

NM_017763.6(RNF43):c.1253T>C (p.Leu418Pro)

Gene: RNF43 (ring finger protein 43; minus strand). Cytogenetic location: 17q22.
Variant type: single nucleotide variant.
Coding change: c.1253T>C on transcript NM_017763.6 (MANE Select); coding-DNA position 1253, T replaced by C.
Protein change: p.Leu418Pro; replaces leucine 418 with proline.
Molecular consequence: missense variant.
Genome position (GRCh38, 1-based): chr17:58,358,523, A>G on the plus strand (T>C on the coding strand, the complement: RNF43 is on the minus strand). VCF-style: chr17-58358523-A-G. GRCh37 (hg19) VCF-style: chr17-56435884-A-G.
Other names: c.1253T>C, p.Leu418Pro (NM_001305544.3, NM_001438820.1, NM_001438821.1 and 1 more transcripts); c.872T>C, p.Leu291Pro (NM_001305545.2, NM_001437987.1); short protein forms L291P, L418P.
Identifiers: ClinVar variation 4863388 (VCV004863388.1).

ClinVar aggregate classification (germline): Uncertain significance (1 of 4 stars; one submission).

gnomAD v4.1: 20 of 1,613,446 alleles (0.0012%); highest among the groups gnomAD compares: Non-Finnish European, 0.000085%; no homozygotes.

Submission:

Ambry Genetics
Classification: Uncertain significance. Last evaluated: 2026-03-31. Review status: criteria provided, single submitter. Criteria: Ambry Variant Classification Scheme 2023. Collection method: clinical testing. Allele origin: germline.
Comment: The p.L418P variant (also known as c.1253T>C), located in coding exon 8 of the RNF43 gene, results from a T to C substitution at nucleotide position 1253. The leucine at codon 418 is replaced by proline, an amino acid with similar properties. This amino acid position is conserved. In addition, this alteration is predicted to be tolerated by in silico analysis. Based on the available evidence, the clinical significance of this variant remains unclear.